The following is an entry in ClinVar:

NM_018960.6(GNMT):c.467A>C (p.His156Pro)

Genes: CNPY3-GNMT (CNPY3-GNMT readthrough; plus strand), GNMT (glycine N-methyltransferase; plus strand). Cytogenetic location: 6p21.1.
Variant type: single nucleotide variant.
Coding change: c.467A>C on transcript NM_018960.6 (MANE Select); coding-DNA position 467, A replaced by C.
Protein change: p.His156Pro; replaces histidine 156 with proline.
Molecular consequence: missense variant. On other transcripts: intron variant (2).
Genome position (GRCh38, 1-based): chr6:42,963,087, A>C. VCF-style: chr6-42963087-A-C. GRCh37 (hg19) VCF-style: chr6-42930825-A-C.
Other names: c.269A>C, p.His90Pro (NM_001318856.2); c.284A>C, p.His95Pro (NM_001318857.2); c.269-93A>C (NM_001318858.2); c.452-42A>C (NM_001318865.2); short protein forms H156P, H95P, H90P.
Identifiers: ClinVar variation 1043979 (VCV001043979.13), dbSNP rs138085632, ClinGen allele CA3810707.
Genomic context (GRCh38, chr6:42,963,087, plus strand): 5'-GGGCCCTGAGCAGATGGAGTCTTTCTGCCCGTGCCTGGAGCTCAGGGGACCAGAGTGAGC[A>C]CCGGCTGGCGCTGAAAAACATTGCGAGCATGGTGCGGGCAGGGGGCCTACTGGTCATTGA-3'
Protein context (NP_061833.1, residues 146-166): LPDCKGDQSE[His156Pro]RLALKNIASM

ClinVar aggregate classification (germline): Uncertain significance. Review status: criteria provided, multiple submitters, no conflicts (2 of 4 stars). 3 submissions from 3 submitters: Uncertain significance (3). Last evaluated 2025-05-22.

Allele frequency attached by ClinVar (database versions not stated): gnomAD exomes 0.00006 and 0.00014; ExAC 0.00018; 1000 Genomes Project 0.00040; 1000 Genomes Project 30x 0.00047; ESP Exome Variant Server 0.00077; gnomAD 0.00080 and 0.00094; TOPMed 0.00085.
gnomAD v4.1: 222 of 1,612,278 alleles (0.014%); highest among the groups gnomAD compares: African/African-American, 0.25%; no homozygotes.

Submissions (3):

Labcorp Genetics (formerly Invitae), Labcorp
Classification: Uncertain significance. Last evaluated: 2025-05-22. Review status: criteria provided, single submitter. Criteria: Invitae Variant Classification Sherloc (09022015). Collection method: clinical testing. Allele origin: germline.
Comment: This sequence change replaces histidine, which is basic and polar, with proline, which is neutral and non-polar, at codon 156 of the GNMT protein (p.His156Pro). This variant is present in population databases (rs138085632, gnomAD 0.2%), and has an allele count higher than expected for a pathogenic variant. This variant has not been reported in the literature in individuals affected with GNMT-related conditions. ClinVar contains an entry for this variant (Variation ID: 1043979). Invitae Evidence Modeling of protein sequence and biophysical properties (such as structural, functional, and spatial information, amino acid conservation, physicochemical variation, residue mobility, and thermodynamic stability) indicates that this missense variant is not expected to disrupt GNMT protein function with a negative predictive value of 80%. In summary, the available evidence is currently insufficient to determine the role of this variant in disease. Therefore, it has been classified as a Variant of Uncertain Significance.

Greenwood Genetic Center Diagnostic Laboratories, Greenwood Genetic Center
Classification: Uncertain significance. Last evaluated: 2021-10-14. Review status: criteria provided, single submitter. Criteria: ACMG Guidelines, 2015. Collection method: clinical testing. Allele origin: germline. Affected: yes.
Comment: PM2

Breakthrough Genomics
Classification: Uncertain significance. Review status: criteria provided, single submitter. Criteria: ACMG Guidelines, 2015. Collection method: not provided. Allele origin: germline. Inheritance: Autosomal recessive inheritance. Affected: yes.